The following is an entry in ClinVar:

NM_138715.3(MSR1):c.1038A>G (p.Pro346=)

Gene: MSR1 (macrophage scavenger receptor 1; minus strand). Cytogenetic location: 8p22.
Variant type: single nucleotide variant.
Coding change: c.1038A>G on transcript NM_138715.3 (MANE Select); coding-DNA position 1038, A replaced by G.
Protein change: p.Pro346=; no amino-acid change (proline 346 retained).
Molecular consequence: synonymous variant. On other transcripts: intron variant (1).
Genome position (GRCh38, 1-based): chr8:16,120,602, T>C on the plus strand (A>G on the coding strand, the complement: MSR1 is on the minus strand). VCF-style: chr8-16120602-T-C. GRCh37 (hg19) VCF-style: chr8-15978111-T-C.
Other names: c.1092A>G, p.Pro364= (NM_001363744.1); c.1034-10384A>G (NM_138716.3).
Identifiers: ClinVar variation 778941 (VCV000778941.6), dbSNP rs34175190, ClinGen allele CA4640950.

ClinVar aggregate classification (germline): Benign. Review status: criteria provided, multiple submitters, no conflicts (2 of 4 stars). 3 submissions from 3 submitters: Benign (2). 1 of the submissions does not count toward it. Last evaluated 2018-06-11.

Conditions:
MSR1-related disorder. Also called: MSR1-related condition.

Allele frequency attached by ClinVar (database versions not stated): ESP Exome Variant Server 0.00031; gnomAD exomes 0.00306 and 0.01031; gnomAD 0.00505 and 0.00592; ExAC 0.00869; 1000 Genomes Project 30x 0.01390; 1000 Genomes Project 0.01398.
gnomAD v4.1: 5,178 of 1,549,842 alleles (0.33%); highest among the groups gnomAD compares: East Asian, 7.1%; 156 homozygotes.

Submissions (3):

Labcorp Genetics (formerly Invitae), Labcorp
Classification: Benign. Last evaluated: 2018-06-11. Review status: criteria provided, single submitter. Criteria: Invitae Variant Classification Sherloc (09022015). Collection method: clinical testing. Allele origin: germline.

Breakthrough Genomics
Classification: Benign. Review status: criteria provided, single submitter. Criteria: ACMG Guidelines, 2015. Collection method: not provided. Allele origin: germline. Inheritance: Unknown mechanism. Affected: yes.

PreventionGenetics, part of Exact Sciences
Classification: Benign for MSR1-related condition. Last evaluated: 2019-07-10. Review status: no assertion criteria provided. Collection method: clinical testing. Allele origin: germline. Not counted in ClinVar's aggregate classification.
Comment: This variant is classified as benign based on ACMG/AMP sequence variant interpretation guidelines (Richards et al. 2015 PMID: 25741868, with internal and published modifications).